The following is an entry in ClinVar:

ClinVar aggregate classification (germline): Uncertain significance (1 of 4 stars; one submission).

Conditions:
Chuvash polycythemia. Also called: POLYCYTHEMIA, VHL-DEPENDENT. Identifiers: Orphanet 238557, MedGen C1837915, MONDO:0009892, OMIM 263400.
Von Hippel-Lindau syndrome (VHLS). Also called: VHL syndrome; von Hippel–Lindau syndrome; Von Hippel-Lindau. Identifiers: Orphanet 892, MedGen C0019562, MONDO:0008667, OMIM 193300. Disease mechanism: loss of function.

Submission:

Labcorp Genetics (formerly Invitae), Labcorp
Classification: Uncertain significance for Von Hippel-Lindau syndrome; Chuvash polycythemia. Last evaluated: 2025-09-16. Review status: criteria provided, single submitter. Criteria: Invitae Variant Classification Sherloc (09022015). Collection method: clinical testing. Allele origin: germline.
Comment: This variant occurs in a non-coding region of the VHL gene. It does not change the encoded amino acid sequence of the VHL protein. The frequency data for this variant in the population databases is considered unreliable, as metrics indicate poor data quality at this position in the gnomAD database. This variant has not been reported in the literature in individuals affected with VHL-related conditions. ClinVar contains an entry for this variant (Variation ID: 3757988). In summary, the available evidence is currently insufficient to determine the role of this variant in disease. Therefore, it has been classified as a Variant of Uncertain Significance.

NM_000551.4(VHL):c.-51G>T

Gene: VHL (von Hippel-Lindau tumor suppressor; plus strand). Cytogenetic location: 3p25.3.
Variant type: single nucleotide variant.
Coding change: c.-51G>T on transcript NM_000551.4 (MANE Select); 51 bases upstream of the start codon, G replaced by T.
Molecular consequence: 5 prime UTR variant. On other transcripts: non-coding transcript variant (1).
Genome position (GRCh38, 1-based): chr3:10,141,797, G>T. VCF-style: chr3-10141797-G-T. GRCh37 (hg19) VCF-style: chr3-10183481-G-T.
Other names: c.-51G>T (NM_001354723.2, NM_198156.3).
Identifiers: ClinVar variation 3757988 (VCV003757988.2).